The following is an entry in ClinVar:

ClinVar aggregate classification (germline): Conflicting classifications of pathogenicity. Review status: criteria provided, conflicting classifications (1 of 4 stars). 2 submissions from 2 submitters: Uncertain significance (1); Likely benign (1). Last evaluated 2026-01-17.

gnomAD v4.1: 593 of 1,607,430 alleles (0.037%); highest among the groups gnomAD compares: Non-Finnish European, 0.046%; no homozygotes.

Submissions (2):

Labcorp Genetics (formerly Invitae), Labcorp
Classification: Uncertain significance. Last evaluated: 2026-01-17. Review status: criteria provided, single submitter. Criteria: Invitae Variant Classification Sherloc (09022015). Collection method: clinical testing. Allele origin: germline.
Comment: This sequence change replaces glycine, which is neutral and non-polar, with valine, which is neutral and non-polar, at codon 643 of the ASXL1 protein (p.Gly643Val). This variant is present in population databases (rs201649676, gnomAD 0.04%), and has an allele count higher than expected for a pathogenic variant. This variant has not been reported in the literature in individuals affected with ASXL1-related conditions. ClinVar contains an entry for this variant (Variation ID: 1366313). An algorithm developed to predict the effect of missense changes on protein structure and function (PolyPhen-2) suggests that this variant is likely to be disruptive. In summary, the available evidence is currently insufficient to determine the role of this variant in disease. Therefore, it has been classified as a Variant of Uncertain Significance.

CeGaT Center for Human Genetics Tuebingen
Classification: Likely benign. Last evaluated: 2024-04-01. Review status: criteria provided, single submitter. Criteria: CeGaT Center For Human Genetics Tuebingen Variant Classification Criteria Version 2. Collection method: clinical testing. Allele origin: germline. Affected: yes. Observed: 1 variant allele.
Comment: ASXL1: BP4

NM_015338.6(ASXL1):c.1928G>T (p.Gly643Val)

Gene: ASXL1 (ASXL transcriptional regulator 1; plus strand). Cytogenetic location: 20q11.21.
Variant type: single nucleotide variant.
Coding change: c.1928G>T on transcript NM_015338.6 (MANE Select); coding-DNA position 1928, G replaced by T.
Protein change: p.Gly643Val; replaces glycine 643 with valine.
Molecular consequence: missense variant.
Genome position (GRCh38, 1-based): chr20:32,434,640, G>T. VCF-style: chr20-32434640-G-T. GRCh37 (hg19) VCF-style: chr20-31022443-G-T.
Other names: c.1745G>T, p.Gly582Val (NM_001363734.1); short protein forms G582V, G643V.
Identifiers: ClinVar variation 1366313 (VCV001366313.25), dbSNP rs201649676, ClinGen allele CA9808495.
Genomic context (GRCh38, chr20:32,434,640, plus strand): 5'-AGGTCCGAGGGGCGAGAGGTCACCACTGCCATAGAGAGGCGGCCACCACTGCCATCGGAG[G>T]GGGGGGTGGCCCGGGTGGAGGTGGCGGCGGGGCCACCGATGAGGGAGGTGGCAGAGGCAG-3'
Protein context (NP_056153.2, residues 633-653): HREAATTAIG[Gly643Val]GGGPGGGGGG